The following is an entry in ClinVar:

ClinVar aggregate classification (germline): Uncertain significance (1 of 4 stars; one submission).

Conditions:
Leber congenital amaurosis 8 (LCA8). Identifiers: Orphanet 65, MedGen C3151202, MONDO:0013453, OMIM 613835.
Retinitis pigmentosa 12 (RP12). Also called: RP WITH OR WITHOUT PRESERVED PARAARTERIOLE RETINAL PIGMENT EPITHELIUM; RETINITIS PIGMENTOSA WITH OR WITHOUT PARAARTERIOLAR PRESERVATION OF RETINAL PIGMENT EPITHELIUM; RP WITH OR WITHOUT PPRPE. Identifiers: Orphanet 791, MedGen C1838647, MONDO:0010818, OMIM 600105.

Allele frequency attached by ClinVar (database versions not stated): gnomAD exomes below 0.00001; TOPMed below 0.00001; ExAC 0.00001; gnomAD 0.00001.
gnomAD v4.1: 7 of 1,613,958 alleles (0.00043%); highest among the groups gnomAD compares: Middle Eastern, 0.017%; no homozygotes.

Submission:

Labcorp Genetics (formerly Invitae), Labcorp
Classification: Uncertain significance for Leber congenital amaurosis 8; Retinitis pigmentosa 12. Last evaluated: 2022-09-27. Review status: criteria provided, single submitter. Criteria: Invitae Variant Classification Sherloc (09022015). Collection method: clinical testing. Allele origin: germline.
Comment: This sequence change replaces threonine, which is neutral and polar, with alanine, which is neutral and non-polar, at codon 1078 of the CRB1 protein (p.Thr1078Ala). This variant is present in population databases (rs535366722, gnomAD 0.01%). This variant has not been reported in the literature in individuals affected with CRB1-related conditions. Algorithms developed to predict the effect of missense changes on protein structure and function (SIFT, PolyPhen-2, Align-GVGD) all suggest that this variant is likely to be disruptive. In summary, the available evidence is currently insufficient to determine the role of this variant in disease. Therefore, it has been classified as a Variant of Uncertain Significance.

NM_201253.3(CRB1):c.3232A>G (p.Thr1078Ala)

Gene: CRB1 (crumbs cell polarity complex component 1; plus strand). Cytogenetic location: 1q31.3.
Variant type: single nucleotide variant.
Coding change: c.3232A>G on transcript NM_201253.3 (MANE Select); coding-DNA position 3232, A replaced by G.
Protein change: p.Thr1078Ala; replaces threonine 1078 with alanine.
Molecular consequence: missense variant. On other transcripts: non-coding transcript variant (2), intron variant (1).
Genome position (GRCh38, 1-based): chr1:197,435,095, A>G. VCF-style: chr1-197435095-A-G. GRCh37 (hg19) VCF-style: chr1-197404225-A-G.
Other names: c.2896A>G, p.Thr966Ala (NM_001193640.2); c.3160A>G, p.Thr1054Ala (NM_001257965.2); c.2129-505A>G (NM_001257966.2); short protein forms T966A, T1054A, T1078A.
Identifiers: ClinVar variation 1909943 (VCV001909943.2), dbSNP rs535366722, ClinGen allele CA1312298.